The following is an entry in ClinVar:

ClinVar aggregate classification (germline): Benign/Likely benign. Review status: criteria provided, multiple submitters, no conflicts (2 of 4 stars). 3 submissions from 3 submitters: Benign (1); Likely benign (2). Last evaluated 2025-03-11.

Conditions:
Pheochromocytoma/paraganglioma syndrome 5. Also called: Paragangliomas 5; SDHA-Related Hereditary Paraganglioma-Pheochromocytoma Syndrome. Identifiers: Orphanet 29072, MedGen C3279992, MONDO:0013602, OMIM 614165.
Mitochondrial complex II deficiency, nuclear type 1. Also called: SUCCINATE CoQ REDUCTASE DEFICIENCY. Identifiers: Orphanet 3208, MedGen C5700310, MONDO:0100294, OMIM 252011.
Hereditary cancer-predisposing syndrome. Also called: Tumor predisposition; Neoplastic Syndromes, Hereditary; Hereditary Cancer Syndrome; Hereditary neoplastic syndrome. Identifiers: Orphanet 140162, MedGen C0027672, MeSH D009386, MONDO:0015356.

Submissions (3):

Myriad Genetics, Inc.
Classification: Benign for Pheochromocytoma/paraganglioma syndrome 5. Last evaluated: 2025-03-11. Review status: criteria provided, single submitter. Criteria: Myriad Autosomal Dominant, Autosomal Recessive and X-Linked Classification Criteria (2023). Collection method: clinical testing. Allele origin: unknown.
Comment: This variant is considered benign. This variant is a silent/synonymous amino acid change and it is not expected to impact splicing.

Labcorp Genetics (formerly Invitae), Labcorp
Classification: Likely benign for Pheochromocytoma/paraganglioma syndrome 5; Mitochondrial complex II deficiency, nuclear type 1. Last evaluated: 2024-03-09. Review status: criteria provided, single submitter. Criteria: Invitae Variant Classification Sherloc (09022015). Collection method: clinical testing. Allele origin: germline.

Ambry Genetics
Classification: Likely benign for Hereditary cancer-predisposing syndrome. Last evaluated: 2019-08-12. Review status: criteria provided, single submitter. Criteria: Ambry Variant Classification Scheme 2023. Collection method: clinical testing. Allele origin: germline.

NM_004168.4(SDHA):c.1920A>G (p.Glu640=)

Gene: SDHA (succinate dehydrogenase complex flavoprotein subunit A; plus strand). Cytogenetic location: 5p15.33.
Variant type: single nucleotide variant.
Coding change: c.1920A>G on transcript NM_004168.4 (MANE Select); coding-DNA position 1920, A replaced by G.
Protein change: p.Glu640=; no amino-acid change (glutamic acid 640 retained).
Molecular consequence: synonymous variant.
Genome position (GRCh38, 1-based): chr5:256,345, A>G. VCF-style: chr5-256345-A-G. GRCh37 (hg19) VCF-style: chr5-256460-A-G.
Other names: c.1776A>G, p.Glu592= (NM_001294332.2); c.1677A>G, p.Glu559= (NM_001330758.2).
Identifiers: ClinVar variation 1088699 (VCV001088699.12), dbSNP rs2126645771, ClinGen allele CA359002637.